The following is an entry in ClinVar:

NM_000218.3(KCNQ1):c.589C>T (p.Pro197Ser)

Gene: KCNQ1 (potassium voltage-gated channel subfamily Q member 1; plus strand). Cytogenetic location: 11p15.5.
Variant type: single nucleotide variant.
Coding change: c.589C>T on transcript NM_000218.3 (MANE Select); coding-DNA position 589, C replaced by T.
Protein change: p.Pro197Ser; replaces proline 197 with serine.
Molecular consequence: missense variant.
Genome position (GRCh38, 1-based): chr11:2,570,739, C>T. VCF-style: chr11-2570739-C-T. GRCh37 (hg19) VCF-style: chr11-2591969-C-T.
Other names: p.P197S:CCC>TCC; c.589C>T, p.Pro197Ser (NM_001406836.1); c.319C>T, p.Pro107Ser (NM_001406837.1); c.208C>T, p.Pro70Ser (NM_181798.2); short protein forms P197S, P70S, P107S.
Identifiers: ClinVar variation 200817 (VCV000200817.7), dbSNP rs794728510, ClinGen allele CA007665.

ClinVar aggregate classification (germline): Likely pathogenic (1 of 4 stars; one submission).

Submission:

GeneDx
Classification: Likely pathogenic. Last evaluated: 2022-05-24. Review status: criteria provided, single submitter. Criteria: GeneDx Variant Classification Process June 2021. Collection method: clinical testing. Allele origin: germline. Affected: yes.
Comment: Not observed at significant frequency in large population cohorts (gnomAD); In silico analysis supports that this missense variant has a deleterious effect on protein structure/function; Published functional studies suggest a damaging effect (Huang et al., 2018; Venoye et al., 2018); This variant is associated with the following publications: (PMID: 32797034, 29532034, 30571187)